The following is an entry in ClinVar:

ClinVar aggregate classification (germline): Uncertain significance. Review status: criteria provided, multiple submitters, no conflicts (2 of 4 stars). 2 submissions from 2 submitters: Uncertain significance (2). Last evaluated 2024-02-19.

Conditions:
Familial focal epilepsy with variable foci (FPEVF). Identifiers: Orphanet 98820, MedGen C1858477, MONDO:0020310.

Allele frequency attached by ClinVar (database versions not stated): ExAC 0.00001; gnomAD 0.00001; gnomAD exomes 0.00001 and 0.00003; TOPMed 0.00003.
gnomAD v4.1: 17 of 1,613,844 alleles (0.0011%); highest among the groups gnomAD compares: East Asian, 0.0089%; no homozygotes.

Submissions (2):

Labcorp Genetics (formerly Invitae), Labcorp
Classification: Uncertain significance for Familial focal epilepsy with variable foci. Last evaluated: 2024-02-19. Review status: criteria provided, single submitter. Criteria: Invitae Variant Classification Sherloc (09022015). Collection method: clinical testing. Allele origin: germline.
Comment: This sequence change replaces arginine, which is basic and polar, with glutamine, which is neutral and polar, at codon 1543 of the DEPDC5 protein (p.Arg1543Gln). This variant is present in population databases (rs749089911, gnomAD 0.02%). This variant has not been reported in the literature in individuals affected with DEPDC5-related conditions. ClinVar contains an entry for this variant (Variation ID: 1014535). Experimental studies and prediction algorithms are not available or were not evaluated, and the functional significance of this variant is currently unknown. In summary, the available evidence is currently insufficient to determine the role of this variant in disease. Therefore, it has been classified as a Variant of Uncertain Significance.

Revvity Omics, Revvity
Classification: Uncertain significance. Last evaluated: 2020-09-28. Review status: criteria provided, single submitter. Criteria: ACMG Guidelines, 2015. Collection method: clinical testing. Allele origin: germline.

NM_001242896.3(DEPDC5):c.4628G>A (p.Arg1543Gln)

Gene: DEPDC5 (DEP domain containing 5, GATOR1 subcomplex subunit; plus strand). Cytogenetic location: 22q12.3.
Variant type: single nucleotide variant.
Coding change: c.4628G>A on transcript NM_001242896.3 (MANE Select); coding-DNA position 4628, G replaced by A.
Protein change: p.Arg1543Gln; replaces arginine 1543 with glutamine.
Molecular consequence: missense variant. On other transcripts: non-coding transcript variant (5).
Genome position (GRCh38, 1-based): chr22:31,906,313, G>A. VCF-style: chr22-31906313-G-A. GRCh37 (hg19) VCF-style: chr22-32302299-G-A.
Other names: c.4601G>A, p.Arg1534Gln (NM_001136029.4); c.4328G>A, p.Arg1443Gln (NM_001242897.2); c.4562G>A, p.Arg1521Gln (NM_001363852.2, NM_001364320.2); c.4394G>A, p.Arg1465Gln (NM_001363854.2, NM_001364319.2); c.4628G>A, p.Arg1543Gln (NM_001364318.2); c.4544G>A, p.Arg1515Gln (NM_001369901.1, NM_001369902.1); c.4535G>A, p.Arg1512Gln (NM_001369903.1, NM_014662.6); c.4628G>A (NM_001242896.1); short protein forms R1443Q, R1465Q, R1512Q, R1515Q, R1521Q, R1534Q, R1543Q.
Identifiers: ClinVar variation 1014535 (VCV001014535.8), dbSNP rs749089911, ClinGen allele CA10197301.